The following is an entry in ClinVar:

ClinVar aggregate classification (germline): Uncertain significance. Review status: criteria provided, multiple submitters, no conflicts (2 of 4 stars). 2 submissions from 2 submitters: Uncertain significance (2). Last evaluated 2023-10-05.

Conditions:
Tuberous sclerosis 2 (TSC2). Identifiers: Orphanet 805, MedGen C1860707, MONDO:0013199, OMIM 613254.
Hereditary cancer-predisposing syndrome. Also called: Tumor predisposition; Neoplastic Syndromes, Hereditary; Hereditary Cancer Syndrome; Hereditary neoplastic syndrome. Identifiers: Orphanet 140162, MedGen C0027672, MeSH D009386, MONDO:0015356.

Submissions (2):

Labcorp Genetics (formerly Invitae), Labcorp
Classification: Uncertain significance for Tuberous sclerosis 2. Last evaluated: 2023-10-05. Review status: criteria provided, single submitter. Criteria: Invitae Variant Classification Sherloc (09022015). Collection method: clinical testing. Allele origin: germline.
Comment: This sequence change replaces proline, which is neutral and non-polar, with serine, which is neutral and polar, at codon 1453 of the TSC2 protein (p.Pro1453Ser). This variant is not present in population databases (gnomAD no frequency). This variant has not been reported in the literature in individuals affected with TSC2-related conditions. Advanced modeling of protein sequence and biophysical properties (such as structural, functional, and spatial information, amino acid conservation, physicochemical variation, residue mobility, and thermodynamic stability) performed at Invitae indicates that this missense variant is not expected to disrupt TSC2 protein function. In summary, the available evidence is currently insufficient to determine the role of this variant in disease. Therefore, it has been classified as a Variant of Uncertain Significance.

Ambry Genetics
Classification: Uncertain significance for Hereditary cancer-predisposing syndrome. Last evaluated: 2023-09-13. Review status: criteria provided, single submitter. Criteria: Ambry Variant Classification Scheme 2023. Collection method: clinical testing. Allele origin: germline.
Comment: The p.P1453S variant (also known as c.4357C>T), located in coding exon 33 of the TSC2 gene, results from a C to T substitution at nucleotide position 4357. The proline at codon 1453 is replaced by serine, an amino acid with similar properties. This amino acid position is conserved. In addition, the in silico prediction for this alteration is inconclusive. Since supporting evidence is limited at this time, the clinical significance of this alteration remains unclear.

NM_000548.5(TSC2):c.4357C>T (p.Pro1453Ser)

Gene: TSC2 (TSC complex subunit 2; plus strand). Cytogenetic location: 16p13.3.
Variant type: single nucleotide variant.
Coding change: c.4357C>T on transcript NM_000548.5 (MANE Select); coding-DNA position 4357, C replaced by T.
Protein change: p.Pro1453Ser; replaces proline 1453 with serine.
Molecular consequence: missense variant. On other transcripts: non-coding transcript variant (5).
Genome position (GRCh38, 1-based): chr16:2,084,579, C>T. VCF-style: chr16-2084579-C-T. GRCh37 (hg19) VCF-style: chr16-2134580-C-T.
Other names: c.4156C>T, p.Pro1386Ser (NM_001077183.3); c.4288C>T, p.Pro1430Ser (NM_001114382.3); c.4048C>T, p.Pro1350Ser (NM_001318827.2); c.4012C>T, p.Pro1338Ser (NM_001318829.2); c.3625C>T, p.Pro1209Ser (NM_001318831.2); c.4189C>T, p.Pro1397Ser (NM_001318832.2); c.4159C>T, p.Pro1387Ser (NM_001363528.2); c.4141C>T, p.Pro1381Ser (NM_001406675.1); and 26 more; short protein forms P1186S, P1338S, P1380S, P1382S, P1393S, P1416S, P1417S, P1427S.
Identifiers: ClinVar variation 2626462 (VCV002626462.5), dbSNP rs2544280849, ClinGen allele CA394301630.
Genomic context (GRCh38, chr16:2,084,579, plus strand): 5'-TCGGGCGAAGACAGTCGGGGCCAGCCCGAGGGTCCCTTGCCTTCCAGCTCCCCCCGCTCG[C>T]CCAGTGGCCTCCGGCCCCGAGGTTACACCATCTCCGACTCGGCCCCATCACGCAGGGGCA-3'
Protein context (NP_000539.2, residues 1443-1463): GPLPSSSPRS[Pro1453Ser]SGLRPRGYTI